The following is an entry in ClinVar:

NM_001267550.2(TTN):c.5073dup (p.Gly1692fs)

Gene: TTN (titin; minus strand). Cytogenetic location: 2q31.2.
Variant type: Duplication.
Coding change: c.5073dup on transcript NM_001267550.2 (MANE Select); coding-DNA position 5073, one base duplicated (A; older notation c.5073dupA).
Protein change: p.Gly1692fs; shifts the reading frame from glycine 1692.
Molecular consequence: frameshift variant.
Genome position (GRCh38, 1-based): chr2:178,776,791, T duplicated on the plus strand (A on the coding strand, the reverse complement: TTN is on the minus strand); the first of 2 consecutive T bases (chr2:178,776,791-178,776,792); duplicating either gives the same sequence. VCF-style (leftmost placement, unchanged base first): chr2-178776790-C-CT. GRCh37 (hg19) VCF-style: chr2-179641517-C-CT.
Other names: c.5073dup, p.Gly1692fs (NM_001256850.1, NM_133378.4, NM_133379.5); c.4935dup, p.Gly1646fs (NM_003319.4, NM_133432.3, NM_133437.4); short protein forms G1646fs, G1692fs.
Identifiers: ClinVar variation 2097208 (VCV002097208.3), dbSNP rs2532895951, ClinGen allele CA2580065123.

ClinVar aggregate classification (germline): Likely pathogenic (1 of 4 stars; one submission).

Conditions:
Autosomal recessive limb-girdle muscular dystrophy type 2J (LGMDR10). Also called: Limb-girdle muscular dystrophy, type 2J; MUSCULAR DYSTROPHY, LIMB-GIRDLE, AUTOSOMAL RECESSIVE 10. Identifiers: Orphanet 140922, MedGen C1837342, MONDO:0012127, OMIM 608807.
Dilated cardiomyopathy 1G (CMD1G). Identifiers: Orphanet 154, MedGen C1858763, MONDO:0011400, OMIM 604145.

Submission:

Labcorp Genetics (formerly Invitae), Labcorp
Classification: Likely pathogenic for Dilated cardiomyopathy 1G; Autosomal recessive limb-girdle muscular dystrophy type 2J. Last evaluated: 2024-09-30. Review status: criteria provided, single submitter. Criteria: Invitae Variant Classification Sherloc (09022015). Collection method: clinical testing. Allele origin: germline.
Comment: This sequence change creates a premature translational stop signal (p.Gly1692Argfs*2) in the TTN gene. While this is not anticipated to result in nonsense mediated decay, it is expected to create a truncated TTN protein. This variant is not present in population databases (gnomAD no frequency). This variant has not been reported in the literature in individuals affected with TTN-related conditions. ClinVar contains an entry for this variant (Variation ID: 2097208). This variant is located in the Z band of TTN (PMID: 25589632). Truncating variants in this region have been reported in individuals affected with autosomal recessive centronuclear myopathy (PMID: 33449170, internal data). Truncating variants in this region have also been identified in individuals affected with autosomal dominant dilated cardiomyopathy and/or cardio-related conditions (PMID: 27869827, 32964742, internal data). In summary, the currently available evidence indicates that the variant is pathogenic, but additional data are needed to prove that conclusively. Therefore, this variant has been classified as Likely Pathogenic.

Literature cited by the submitters: PubMed 25589632; PubMed 33449170; PubMed 27869827; PubMed 32964742.